The following is an entry in ClinVar:

ClinVar aggregate classification (germline): Uncertain significance (1 of 4 stars; one submission).

Submission:

Labcorp Genetics (formerly Invitae), Labcorp
Classification: Uncertain significance. Last evaluated: 2025-01-15. Review status: criteria provided, single submitter. Criteria: Invitae Variant Classification Sherloc (09022015). Collection method: clinical testing. Allele origin: germline.
Comment: This sequence change replaces leucine, which is neutral and non-polar, with valine, which is neutral and non-polar, at codon 690 of the SPTA1 protein (p.Leu690Val). This variant is not present in population databases (gnomAD no frequency). This variant has not been reported in the literature in individuals affected with SPTA1-related conditions. Invitae Evidence Modeling of protein sequence and biophysical properties (such as structural, functional, and spatial information, amino acid conservation, physicochemical variation, residue mobility, and thermodynamic stability) indicates that this missense variant is not expected to disrupt SPTA1 protein function with a negative predictive value of 80%. In summary, the available evidence is currently insufficient to determine the role of this variant in disease. Therefore, it has been classified as a Variant of Uncertain Significance.

NM_003126.4(SPTA1):c.2068C>G (p.Leu690Val)

Gene: SPTA1 (spectrin alpha, erythrocytic 1; minus strand). Cytogenetic location: 1q23.1.
Variant type: single nucleotide variant.
Coding change: c.2068C>G on transcript NM_003126.4 (MANE Select); coding-DNA position 2068, C replaced by G.
Protein change: p.Leu690Val; replaces leucine 690 with valine.
Molecular consequence: missense variant.
Genome position (GRCh38, 1-based): chr1:158,666,468, G>C on the plus strand (C>G on the coding strand, the complement: SPTA1 is on the minus strand). VCF-style: chr1-158666468-G-C. GRCh37 (hg19) VCF-style: chr1-158636258-G-C.
Other names: short protein forms L690V.
Identifiers: ClinVar variation 3666412 (VCV003666412.2).